The following is an entry in ClinVar:

ClinVar aggregate classification (germline): Likely benign. Review status: criteria provided, multiple submitters, no conflicts (2 of 4 stars). 2 submissions from 2 submitters: Likely benign (2). Last evaluated 2025-03-20.

Conditions:
Angelman syndrome (AS). Also called: HAPPY PUPPET SYNDROME. Identifiers: Orphanet 72, MedGen C0162635, MONDO:0007113, OMIM 105830. Disease mechanism: loss of function. Inheritance: imprinting disorder, AS is caused by disruption of maternally imprinted UBE3A located within the 15q11.2-q13 Angelman syndrome/Prader-Willi syndrome (AS/PWS) region..

Allele frequency attached by ClinVar (database versions not stated): ExAC 0.00002; gnomAD exomes 0.00002; TOPMed 0.00002.
gnomAD v4.1: 25 of 1,614,142 alleles (0.0015%); highest among the groups gnomAD compares: East Asian, 0.0022%; no homozygotes.

Submissions (2):

Labcorp Genetics (formerly Invitae), Labcorp
Classification: Likely benign for Angelman syndrome. Last evaluated: 2025-03-20. Review status: criteria provided, single submitter. Criteria: Invitae Variant Classification Sherloc (09022015). Collection method: clinical testing. Allele origin: germline.

GeneDx
Classification: Likely benign. Last evaluated: 2016-11-21. Review status: criteria provided, single submitter. Criteria: GeneDx Variant Classification (06012015). Collection method: clinical testing. Allele origin: germline. Affected: yes.
Comment: This variant is considered likely benign or benign based on one or more of the following criteria: it is a conservative change, it occurs at a poorly conserved position in the protein, it is predicted to be benign by multiple in silico algorithms, and/or has population frequency not consistent with disease.

NM_130839.5(UBE3A):c.141G>A (p.Thr47=)

Genes: SNHG14 (small nucleolar RNA host gene 14; plus strand), UBE3A (ubiquitin protein ligase E3A; minus strand). Cytogenetic location: 15q11.2.
Variant type: single nucleotide variant.
Coding change: c.141G>A on transcript NM_130839.5 (MANE Select); coding-DNA position 141, G replaced by A.
Protein change: p.Thr47=; no amino-acid change (threonine 47 retained).
Molecular consequence: synonymous variant. On other transcripts: 5 prime UTR variant (1), non-coding transcript variant (1).
Genome position (GRCh38, 1-based): chr15:25,375,685, C>T on the plus strand (G>A on the coding strand, the complement: UBE3A is on the minus strand). VCF-style: chr15-25375685-C-T. GRCh37 (hg19) VCF-style: chr15-25620832-C-T.
Other names: c.81G>A, p.Thr27= (NM_001354509.2, NM_001354511.2, NM_001354512.2 and 18 more transcripts); c.141G>A, p.Thr47= (NM_001354538.2, NM_001354545.2, NM_001354550.2 and 1 more transcripts); c.-37G>A (NM_001354546.2); c.150G>A, p.Thr50= (NM_000462.5).
Identifiers: ClinVar variation 386168 (VCV000386168.11), dbSNP rs760283316, ClinGen allele CA7435685.
Genomic context (GRCh38, chr15:25,375,685, plus strand): 5'-AATAGCTGCTGCATTATTATCCATACGAAGAAAAGTTGGACAGGAAGCACAAAACTCATT[C>T]GTGCAGGCTTCATTTCCACAGCCCTCAGTTAACTGGTGGTAGTAGCGTTCTATTAGATGC-3'
Protein context (NP_570854.1, residues 37-57): LTEGCGNEAC[Thr47=]NEFCASCPTF